The following is an entry in ClinVar:

NM_001369369.1(FOXN1):c.1385T>C (p.Leu462Pro)

Gene: FOXN1 (forkhead box N1; plus strand). Cytogenetic location: 17q11.2.
Variant type: single nucleotide variant.
Coding change: c.1385T>C on transcript NM_001369369.1 (MANE Select); coding-DNA position 1385, T replaced by C.
Protein change: p.Leu462Pro; replaces leucine 462 with proline.
Molecular consequence: missense variant.
Genome position (GRCh38, 1-based): chr17:28,534,956, T>C. VCF-style: chr17-28534956-T-C. GRCh37 (hg19) VCF-style: chr17-26861974-T-C.
Other names: c.1385T>C, p.Leu462Pro (NM_003593.3); short protein forms L462P.
Identifiers: ClinVar variation 1982673 (VCV001982673.4), dbSNP rs1202762495, ClinGen allele CA398326236.

ClinVar aggregate classification (germline): Uncertain significance (1 of 4 stars; one submission).

Conditions:
T-cell immunodeficiency, congenital alopecia, and nail dystrophy. Also called: Congenital alopecia and nail dystrophy associated with severe functional T-cell immunodeficiency; Pignata Guarino syndrome. Identifiers: Orphanet 169095, MedGen C1866426, MONDO:0011132, OMIM 601705.

Allele frequency attached by ClinVar (database versions not stated): gnomAD exomes below 0.00001; TOPMed 0.00001.
gnomAD v4.1: 5 of 1,614,020 alleles (0.00031%); highest among the groups gnomAD compares: Admixed American, 0.0067%; no homozygotes.

Submission:

Labcorp Genetics (formerly Invitae), Labcorp
Classification: Uncertain significance for T-cell immunodeficiency, congenital alopecia, and nail dystrophy. Last evaluated: 2025-11-23. Review status: criteria provided, single submitter. Criteria: Invitae Variant Classification Sherloc (09022015). Collection method: clinical testing. Allele origin: germline.
Comment: This sequence change replaces leucine, which is neutral and non-polar, with proline, which is neutral and non-polar, at codon 462 of the FOXN1 protein (p.Leu462Pro). This variant is present in population databases (no rsID available, gnomAD 0.003%). This variant has not been reported in the literature in individuals affected with FOXN1-related conditions. ClinVar contains an entry for this variant (Variation ID: 1982673). Invitae Evidence Modeling of protein sequence and biophysical properties (such as structural, functional, and spatial information, amino acid conservation, physicochemical variation, residue mobility, and thermodynamic stability) indicates that this missense variant is not expected to disrupt FOXN1 protein function with a negative predictive value of 80%. In summary, the available evidence is currently insufficient to determine the role of this variant in disease. Therefore, it has been classified as a Variant of Uncertain Significance.